The following is an entry in ClinVar:

ClinVar aggregate classification (germline): Uncertain significance (1 of 4 stars; one submission).

Submission:

GeneDx
Classification: Uncertain significance. Last evaluated: 2024-04-23. Review status: criteria provided, single submitter. Criteria: GeneDx Variant Classification Process June 2021. Collection method: clinical testing. Allele origin: germline. Affected: yes.
Comment: Not observed at significant frequency in large population cohorts (gnomAD); In silico analysis supports that this missense variant has a deleterious effect on protein structure/function; Has not been previously published as pathogenic or benign to our knowledge; Variants in candidate genes are classified as variants of uncertain significance in accordance with ACMG guidelines (Richards et al., 2015)

NM_000718.4(CACNA1B):c.2938C>G (p.Arg980Gly)

Gene: CACNA1B (calcium voltage-gated channel subunit alpha1 B; plus strand). Cytogenetic location: 9q34.3.
Variant type: single nucleotide variant.
Coding change: c.2938C>G on transcript NM_000718.4 (MANE Select); coding-DNA position 2938, C replaced by G.
Protein change: p.Arg980Gly; replaces arginine 980 with glycine.
Molecular consequence: missense variant.
Genome position (GRCh38, 1-based): chr9:138,023,681, C>G. VCF-style: chr9-138023681-C-G. GRCh37 (hg19) VCF-style: chr9-140918133-C-G.
Other names: c.2938C>G, p.Arg980Gly (NM_001243812.2); short protein forms R980G.
Identifiers: ClinVar variation 3369530 (VCV003369530.1).
Genomic context (GRCh38, chr9:138,023,681, plus strand): 5'-GGCGGCCCCCGAGCGGGGCCCCGGGAGGCGGAGAGCGGGGAGGAGCCGGCGCGGCGGCAC[C>G]GGGCCCGGCACAAGGCGCAGCCTGCTCACGAGGCTGTGGAGAAGGAGACCACGGAGAAGG-3'
Protein context (NP_000709.1, residues 970-990): ESGEEPARRH[Arg980Gly]ARHKAQPAHE